The following is an entry in ClinVar:

ClinVar aggregate classification (germline): Conflicting classifications of pathogenicity. Review status: criteria provided, conflicting classifications (1 of 4 stars). 3 submissions from 3 submitters: Pathogenic (1); Uncertain significance (2). Last evaluated 2026-06-26.

Conditions:
Hereditary cancer-predisposing syndrome. Also called: Neoplastic Syndromes, Hereditary; Hereditary neoplastic syndrome; Hereditary Cancer Syndrome; Tumor predisposition. Identifiers: Orphanet 140162, MedGen C0027672, MeSH D009386, MONDO:0015356.

Submissions (3):

Ambry Genetics
Classification: Uncertain significance for Hereditary cancer-predisposing syndrome. Last evaluated: 2026-06-26. Review status: criteria provided, single submitter. Criteria: Ambry Variant Classification Scheme 2023. Collection method: clinical testing. Allele origin: germline.
Comment: The c.20_29dup10 variant, located in coding exon 1 of the POLE gene, results from a duplication of GGCGGCGGCG at nucleotide position 20, causing a translational frameshift with a predicted alternate stop codon (p.D12Afs*15). The predicted stop codon occurs in the 5&rsquo; end of thegene. Premature termination codons in the 5&rsquo; end of a gene have been reported to escape nonsense-mediated mRNAdecay and/or lead to re-initiation (Rivas et al. Science. 2015 May 8;348(6235):666-9; Lindeboom et al. Nat Genet. 2016 Oct;48(10):1112-8; Rhee et al. Sci Rep. 2017 May 10;7(1):1653). Direct evidence for this variant is unavailable, however premature termination codons are typically deleterious in nature. Although biallelic loss of function of POLE has been associated with autosomal recessive POLE deficiency, haploinsufficiency of POLE has not been established as a mechanism of disease for POLE-related polymerase proofreading-associated polyposis (PPAP) and POLE-related CMMRD-like syndrome. Based on the supporting evidence, this variant is expected to be causative of POLE deficiency when present along with a second pathogenic variant on the other allele; however, its clinical significance for PPAP and POLE-related CMMRD-like syndrome is unclear.

Labcorp Genetics (formerly Invitae), Labcorp
Classification: Pathogenic. Last evaluated: 2024-04-25. Review status: criteria provided, single submitter. Criteria: Invitae Variant Classification Sherloc (09022015). Collection method: clinical testing. Allele origin: germline.
Comment: This sequence change creates a premature translational stop signal (p.Asp12Alafs*15) in the POLE gene. It is expected to result in an absent or disrupted protein product. Loss-of-function variants in POLE are known to be pathogenic (PMID: 23230001, 25948378, 30503519). This variant is not present in population databases (gnomAD no frequency). This variant has not been reported in the literature in individuals affected with POLE-related conditions. ClinVar contains an entry for this variant (Variation ID: 421573). For these reasons, this variant has been classified as Pathogenic.

GeneDx
Classification: Uncertain significance. Last evaluated: 2016-07-03. Review status: criteria provided, single submitter. Criteria: GeneDx Variant Classification (06012015). Collection method: clinical testing. Allele origin: germline. Affected: yes.
Comment: This duplication of 10 nucleotides in POLE is denoted c.20_29dup10 at the cDNA level and p.Asp12AlafsX15 (D12AfsX15) at the protein level. The surrounding sequence is GGCG[dup10]CGCG. The duplication causes a frameshift which changes an Aspartic Acid to an Alanine at codon 12, and creates a premature stop codon at position 15 of the new reading frame. Although this variant has not, to our knowledge, been reported in the literature, it is predicted to cause loss of normal protein function through either protein truncation or nonsense-mediated mRNA decay. Although missense variants located within the exonuclease domain of the POLE gene have been recognized as an underlying cause of Polymerase Proofreading-Associated Polyposis (PPAP), an autosomal dominant condition associated with polyposis and an increased risk for colon cancer (Palles 2013, Spier 2014), there are no data to support that loss-of-function variants, such as this one, confer the same cancer risks. Based on current evidence, we consider this variant to be of uncertain significance with respect to cancer. A recessive disease associated with one POLE variant has been reported in the literature. In one large consanguineous family, 11 affected relatives with a syndrome called FILS (facial dysmorphism, immunodeficiency, livedo, and short stature) were all found to be homozygous for a POLE c.4444+3A>G, a splice variant which results in a small proportion (~10%) of normal POLE transcript (Pachlopnik Schmid 2012). In addition, an unrelated individual with a suspected chromosome instability syndrome was also found to be homozygous for POLE c.4444+3A>G (Thiffault 2015). We cannot assess whether the variant identified in the current patient would cause the same recessive disease. Individuals and family members of reproductive age may choose to consider assessment of potential reproductive risks.

Literature cited by the submitters: PubMed 23230001 (cited by Labcorp Genetics (formerly Invitae), Labcorp); PubMed 25948378 (cited by Labcorp Genetics (formerly Invitae), Labcorp); PubMed 30503519 (cited by Labcorp Genetics (formerly Invitae), Labcorp).

NM_006231.4(POLE):c.20_29dup (p.Asp12fs)

Genes: POLE (DNA polymerase epsilon, catalytic subunit; minus strand), LOC130009266 (ATAC-STARR-seq lymphoblastoid silent region 5123; plus strand). Cytogenetic location: 12q24.33.
Variant type: Duplication.
Coding change: c.20_29dup on transcript NM_006231.4 (MANE Select); coding-DNA positions 20 to 29, 10 bases duplicated (GGCGGCGGCG; older notation c.20_29dupGGCGGCGGCG).
Protein change: p.Asp12fs; shifts the reading frame from aspartic acid 12.
Molecular consequence: frameshift variant.
Genome position (GRCh38, 1-based): chr12:132,687,287-132,687,296, CGCCGCCGCC duplicated on the plus strand (GGCGGCGGCG on the coding strand, the reverse complement: POLE is on the minus strand); duplicating any 10 consecutive bases within chr12:132,687,287-132,687,302 gives the same sequence; the c. name uses the placement nearest the transcript's 3' end. VCF-style (leftmost placement, unchanged base first): chr12-132687286-G-GCGCCGCCGCC. GRCh37 (hg19) VCF-style: chr12-133263872-G-GCGCCGCCGCC.
Other names: short protein forms D12fs.
Identifiers: ClinVar variation 421573 (VCV000421573.6), dbSNP rs1555231426, ClinGen allele CA16619487.
Genomic context (GRCh38, chr12:132,687,286, plus strand): 5'-CCGAGAGCCTCAGGAGGGCGCCCCTCACCTGCTGGCCTCGCCATCCGCGCCTGGGTCCGC[G>GCGCCGCCGCC]CGCCGCCGCCCGCCGCTCCTCAGAGACATGGAGCCGTTGGCTACCACCTCTGCTTCAGGG-3'